The following is an entry in ClinVar:

NM_005321.3(H1-4):c.657G>A (p.Lys219=)

Gene: H1-4 (H1.4 linker histone, cluster member; plus strand). Cytogenetic location: 6p22.2.
Variant type: single nucleotide variant.
Coding change: c.657G>A on transcript NM_005321.3 (MANE Select); coding-DNA position 657, G replaced by A.
Protein change: p.Lys219=; no amino-acid change (lysine 219 retained).
Molecular consequence: synonymous variant.
Genome position (GRCh38, 1-based): chr6:26,157,047, G>A. VCF-style: chr6-26157047-G-A. GRCh37 (hg19) VCF-style: chr6-26157275-G-A.
Identifiers: ClinVar variation 4988437 (VCV004988437.1).

ClinVar aggregate classification (germline): Likely benign (1 of 4 stars; one submission).

Conditions:
H1-4-related disorder. Also called: H1-4-related condition.

gnomAD v4.1: 7 of 1,580,456 alleles (0.00044%); highest among the groups gnomAD compares: Middle Eastern, 0.018%; no homozygotes.

Submission:

PreventionGenetics, part of Exact Sciences
Classification: Likely benign for H1-4-related condition. Last evaluated: 2026-03-31. Review status: criteria provided, single submitter. Criteria: ACMG Guidelines, 2015. Collection method: clinical testing. Allele origin: germline.
Comment: This variant is classified as likely benign based on ACMG/AMP sequence variant interpretation guidelines (Richards et al. 2015 PMID: 25741868, with internal and published modifications).